The following is an entry in ClinVar:

ClinVar aggregate classification (germline): Benign. Review status: criteria provided, multiple submitters, no conflicts (2 of 4 stars). 3 submissions from 3 submitters: Benign (3). Last evaluated 2026-04-01.

Allele frequency attached by ClinVar (database versions not stated): 1000 Genomes Project 30x 0.00281; 1000 Genomes Project 0.00319; ESP Exome Variant Server 0.00692; TOPMed 0.00733; gnomAD 0.00738 and 0.00759; ExAC 0.00898.
gnomAD v4.1: 16,296 of 1,580,522 alleles (1%); highest among the groups gnomAD compares: Non-Finnish European, 1.2%; 121 homozygotes.

Submissions (22):

CeGaT Center for Human Genetics Tuebingen
Classification: Benign. Last evaluated: 2026-04-01. Review status: criteria provided, single submitter. Criteria: CeGaT Center For Human Genetics Tuebingen Variant Classification Criteria Version 2. Collection method: clinical testing. Allele origin: germline. Affected: yes. Observed: 8 variant alleles.
Comment: SNX10-AS1: BS1, BS2; SNX10: BP4, BS1, BS2

Labcorp Genetics (formerly Invitae), Labcorp
Classification: Benign. Last evaluated: 2026-02-03. Review status: criteria provided, single submitter. Criteria: Invitae Variant Classification Sherloc (09022015). Collection method: clinical testing. Allele origin: germline.

Mayo Clinic Laboratories, Mayo Clinic
Classification: Benign. Last evaluated: 2025-09-29. Review status: criteria provided, single submitter. Criteria: ACMG Guidelines, 2015. Collection method: clinical testing. Allele origin: germline. Observed: 1 variant allele.
Comment: BS1, BS2, BP4, BP7

Dr. Peter K. Rogan Lab, Western University
No classification provided (evidence only). Condition: Lung cancer. Review status: no classification provided. Collection method: in vitro. Allele origin: not applicable. Functional consequence: retained intron. Not counted in ClinVar's aggregate classification.

Dr. Peter K. Rogan Lab, Western University
No classification provided (evidence only). Condition: Lung cancer. Review status: no classification provided. Collection method: in vitro. Allele origin: not applicable. Functional consequence: retained intron. Not counted in ClinVar's aggregate classification.

Dr. Peter K. Rogan Lab, Western University
No classification provided (evidence only). Condition: Lung cancer. Review status: no classification provided. Collection method: in vitro. Allele origin: not applicable. Functional consequence: retained intron. Not counted in ClinVar's aggregate classification.

Dr. Peter K. Rogan Lab, Western University
No classification provided (evidence only). Condition: Acute myeloid leukemia. Review status: no classification provided. Collection method: in vitro. Allele origin: not applicable. Functional consequence: retained intron. Not counted in ClinVar's aggregate classification.

Dr. Peter K. Rogan Lab, Western University
No classification provided (evidence only). Condition: Acute myeloid leukemia. Review status: no classification provided. Collection method: in vitro. Allele origin: not applicable. Functional consequence: retained intron. Not counted in ClinVar's aggregate classification.

Dr. Peter K. Rogan Lab, Western University
No classification provided (evidence only). Condition: Acute myeloid leukemia. Review status: no classification provided. Collection method: in vitro. Allele origin: not applicable. Functional consequence: retained intron. Not counted in ClinVar's aggregate classification.

Dr. Peter K. Rogan Lab, Western University
No classification provided (evidence only). Condition: Acute myeloid leukemia. Review status: no classification provided. Collection method: in vitro. Allele origin: not applicable. Functional consequence: retained intron. Not counted in ClinVar's aggregate classification.

Dr. Peter K. Rogan Lab, Western University
No classification provided (evidence only). Condition: Acute myeloid leukemia. Review status: no classification provided. Collection method: in vitro. Allele origin: not applicable. Functional consequence: retained intron. Not counted in ClinVar's aggregate classification.

Dr. Peter K. Rogan Lab, Western University
No classification provided (evidence only). Condition: Acute myeloid leukemia. Review status: no classification provided. Collection method: in vitro. Allele origin: not applicable. Functional consequence: retained intron. Not counted in ClinVar's aggregate classification.

Dr. Peter K. Rogan Lab, Western University
No classification provided (evidence only). Condition: Cervical cancer. Review status: no classification provided. Collection method: in vitro. Allele origin: not applicable. Functional consequence: retained intron. Not counted in ClinVar's aggregate classification.

Dr. Peter K. Rogan Lab, Western University
No classification provided (evidence only). Condition: Sarcoma. Review status: no classification provided. Collection method: in vitro. Allele origin: not applicable. Functional consequence: retained intron. Not counted in ClinVar's aggregate classification.

Dr. Peter K. Rogan Lab, Western University
No classification provided (evidence only). Condition: Cholangiocarcinoma. Review status: no classification provided. Collection method: in vitro. Allele origin: not applicable. Functional consequence: retained intron. Not counted in ClinVar's aggregate classification.

Dr. Peter K. Rogan Lab, Western University
No classification provided (evidence only). Condition: Ovarian serous cystadenocarcinoma. Review status: no classification provided. Collection method: in vitro. Allele origin: not applicable. Functional consequence: retained intron. Not counted in ClinVar's aggregate classification.

Dr. Peter K. Rogan Lab, Western University
No classification provided (evidence only). Condition: Ovarian serous cystadenocarcinoma. Review status: no classification provided. Collection method: in vitro. Allele origin: not applicable. Functional consequence: retained intron. Not counted in ClinVar's aggregate classification.

Dr. Peter K. Rogan Lab, Western University
No classification provided (evidence only). Condition: Uterine carcinosarcoma. Review status: no classification provided. Collection method: in vitro. Allele origin: not applicable. Functional consequence: retained intron. Not counted in ClinVar's aggregate classification.

Dr. Peter K. Rogan Lab, Western University
No classification provided (evidence only). Condition: Nonpapillary renal cell carcinoma. Review status: no classification provided. Collection method: in vitro. Allele origin: not applicable. Functional consequence: retained intron. Not counted in ClinVar's aggregate classification.

Dr. Peter K. Rogan Lab, Western University
No classification provided (evidence only). Condition: Lymphoma. Review status: no classification provided. Collection method: in vitro. Allele origin: not applicable. Functional consequence: retained intron. Not counted in ClinVar's aggregate classification.

Dr. Peter K. Rogan Lab, Western University
No classification provided (evidence only). Condition: Lymphoma. Review status: no classification provided. Collection method: in vitro. Allele origin: not applicable. Functional consequence: retained intron. Not counted in ClinVar's aggregate classification.

Dr. Peter K. Rogan Lab, Western University
No classification provided (evidence only). Condition: Ovarian cancer. Review status: no classification provided. Collection method: in vitro. Allele origin: not applicable. Functional consequence: retained intron. Not counted in ClinVar's aggregate classification.

NM_013322.3(SNX10):c.312-8T>A

Gene: SNX10 (sorting nexin 10; plus strand). Cytogenetic location: 7p15.2.
Variant type: single nucleotide variant.
Coding change: c.312-8T>A on transcript NM_013322.3 (MANE Select); 8 bases into the intron before coding-DNA position 312, T replaced by A.
Molecular consequence: intron variant.
Genome position (GRCh38, 1-based): chr7:26,371,813, T>A. VCF-style: chr7-26371813-T-A. GRCh37 (hg19) VCF-style: chr7-26411433-T-A.
Other names: p.?; c.390-8T>A (NM_001362754.1, NM_001362753.1, NM_001318198.1); c.312-8T>A (NM_001199835.1, NM_001318199.3); c.303-8T>A (NM_001199837.3); c.60-8T>A (NM_001199838.2).
Identifiers: ClinVar variation 719907 (VCV000719907.36), dbSNP rs34578197, ClinGen allele CA4195247.
Genomic context (GRCh38, chr7:26,371,813, plus strand): 5'-TTTCTTTCTTCTACCCTATCACTGACCATCCTGTTCACCAATTATTTTTCCTTTTTTTTT[T>A]AATATAGAGTCCTACAGAATGCACTTTTGCTTTCAGATAGCAGCCTTCACCTCTTCTTAC-3'